The following is an entry in ClinVar:

ClinVar aggregate classification (germline): Likely benign (1 of 4 stars; one submission).

Allele frequency attached by ClinVar (database versions not stated): gnomAD exomes below 0.00001.
gnomAD v4.1: 2 of 1,614,076 alleles (0.00012%); highest among the groups gnomAD compares: Non-Finnish European, 0.00017%; no homozygotes.

Submission:

CeGaT Center for Human Genetics Tuebingen
Classification: Likely benign. Last evaluated: 2022-09-01. Review status: criteria provided, single submitter. Criteria: CeGaT Center For Human Genetics Tuebingen Variant Classification Criteria Version 2. Collection method: clinical testing. Allele origin: germline. Affected: yes. Observed: 1 variant allele.
Comment: STIM1: PM2:Supporting, BP4, BP7

NM_001382567.1(STIM1):c.1215A>G (p.Val405=)

Gene: STIM1 (stromal interaction molecule 1; plus strand). Cytogenetic location: 11p15.4.
Variant type: single nucleotide variant.
Coding change: c.1215A>G on transcript NM_001382567.1 (MANE Select); coding-DNA position 1215, A replaced by G.
Protein change: p.Val405=; no amino-acid change (valine 405 retained).
Molecular consequence: synonymous variant. On other transcripts: non-coding transcript variant (2).
Genome position (GRCh38, 1-based): chr11:4,082,959, A>G. VCF-style: chr11-4082959-A-G. GRCh37 (hg19) VCF-style: chr11-4104189-A-G.
Other names: c.993A>G, p.Val331= (NM_001382579.1, NM_001382573.1, NM_001382575.1 and 4 more transcripts); c.726A>G, p.Val242= (NM_001382580.1, NM_001382581.1); c.1215A>G, p.Val405= (NM_003156.4, NM_001382568.1, NM_001277961.3 and 1 more transcripts); c.1080A>G, p.Val360= (NM_001382569.1); c.987A>G, p.Val329= (NM_001382570.1); c.735A>G, p.Val245= (NM_001382571.1).
Identifiers: ClinVar variation 2641523 (VCV002641523.24), dbSNP rs960940124, ClinGen allele CA216529505.